The following is an entry in ClinVar:

NM_003803.4(MYOM1):c.1917C>T (p.Gly639=)

Gene: MYOM1 (myomesin 1; minus strand). Cytogenetic location: 18p11.31.
Variant type: single nucleotide variant.
Coding change: c.1917C>T on transcript NM_003803.4 (MANE Select); coding-DNA position 1917, C replaced by T.
Protein change: p.Gly639=; no amino-acid change (glycine 639 retained).
Molecular consequence: synonymous variant.
Genome position (GRCh38, 1-based): chr18:3,142,047, G>A on the plus strand (C>T on the coding strand, the complement: MYOM1 is on the minus strand). VCF-style: chr18-3142047-G-A. GRCh37 (hg19) VCF-style: chr18-3142045-G-A.
Other names: c.1917C>T, p.Gly639= (NM_019856.2).
Identifiers: ClinVar variation 227692 (VCV000227692.12), dbSNP rs761762328, ClinGen allele CA10577050.
Genomic context (GRCh38, chr18:3,142,047, plus strand): 5'-CTTCCAGCTGAGCACCACATAGCTCCGGGTGGCCTCAGTGACAGAGAGGTCTGTCGGGGG[G>A]CCAGGCACAATACCCTCTGAAAAACAACAAGGAAAAATGAGAAGCACACATTCTGGGTAG-3'
Protein context (NP_003794.3, residues 629-649): EEEPSEGIVP[Gly639=]PPTDLSVTEA

ClinVar aggregate classification (germline): Likely benign. Review status: criteria provided, multiple submitters, no conflicts (2 of 4 stars). 2 submissions from 2 submitters: Likely benign (2). Last evaluated 2025-02-26.

Conditions:
Hypertrophic cardiomyopathy. Also called: HYPERTROPHIC MYOCARDIOPATHY. Identifiers: Orphanet 217569, MedGen C0007194, MeSH D002312, MONDO:0005045, HP:0001639.

gnomAD v4.1: 5 of 1,613,720 alleles (0.00031%); highest among the groups gnomAD compares: Middle Eastern, 0.033%; no homozygotes.

Submissions (2):

Labcorp Genetics (formerly Invitae), Labcorp
Classification: Likely benign for Hypertrophic cardiomyopathy. Last evaluated: 2025-02-26. Review status: criteria provided, single submitter. Criteria: Invitae Variant Classification Sherloc (09022015). Collection method: clinical testing. Allele origin: germline.

Laboratory for Molecular Medicine, Mass General Brigham Personalized Medicine
Classification: Likely benign. Last evaluated: 2015-08-13. Review status: criteria provided, single submitter. Criteria: LMM Criteria. Collection method: clinical testing. Allele origin: germline. Observed: 1 variant allele.
Comment: p.Gly639Gly in exon 14 of MYOM1: This variant is not expected to have clinical s ignificance because it does not alter an amino acid residue and is not located w ithin the splice consensus sequence.